The following is an entry in ClinVar:

NM_031483.7(ITCH):c.2054A>G (p.Asn685Ser)

Gene: ITCH (itchy E3 ubiquitin protein ligase; plus strand). Cytogenetic location: 20q11.22.
Variant type: single nucleotide variant.
Coding change: c.2054A>G on transcript NM_031483.7 (MANE Select); coding-DNA position 2054, A replaced by G.
Protein change: p.Asn685Ser; replaces asparagine 685 with serine.
Molecular consequence: missense variant.
Genome position (GRCh38, 1-based): chr20:34,481,167, A>G. VCF-style: chr20-34481167-A-G. GRCh37 (hg19) VCF-style: chr20-33068972-A-G.
Other names: c.2177A>G, p.Asn726Ser (NM_001257137.3, NM_001324197.2); c.1724A>G, p.Asn575Ser (NM_001257138.3); c.2054A>G, p.Asn685Ser (NM_001324198.2); short protein forms N575S, N685S, N726S.
Identifiers: ClinVar variation 2637033 (VCV002637033.1), dbSNP rs1322957108, ClinGen allele CA408670498.

ClinVar aggregate classification (germline): Uncertain significance (1 of 4 stars; one submission).

Conditions:
ITCH-related disorder. Also called: ITCH-related condition.

Allele frequency attached by ClinVar (database versions not stated): gnomAD exomes below 0.00001; TOPMed below 0.00001.
gnomAD v4.1: 1 of 1,613,484 alleles (0.000062%); highest among the groups gnomAD compares: South Asian, 0.0011%; no homozygotes.

Submission:

PreventionGenetics, part of Exact Sciences
Classification: Uncertain significance for ITCH-related condition. Last evaluated: 2022-10-12. Review status: criteria provided, single submitter. Criteria: ACMG Guidelines, 2015. Collection method: clinical testing. Allele origin: germline.
Comment: The ITCH c.2054A>G variant is predicted to result in the amino acid substitution p.Asn685Ser. To our knowledge, this variant has not been reported in the literature or in a large population database, indicating this variant is rare. At this time, the clinical significance of this variant is uncertain due to the absence of conclusive functional and genetic evidence.